The following is an entry in ClinVar:

NM_024514.5(CYP2R1):c.1126C>T (p.Pro376Ser)

Genes: CYP2R1 (cytochrome P450 family 2 subfamily R member 1; minus strand), PDE3B (phosphodiesterase 3B; plus strand). Cytogenetic location: 11p15.2.
Variant type: single nucleotide variant.
Coding change: c.1126C>T on transcript NM_024514.5 (MANE Select); coding-DNA position 1126, C replaced by T.
Protein change: p.Pro376Ser; replaces proline 376 with serine.
Molecular consequence: missense variant.
Genome position (GRCh38, 1-based): chr11:14,879,318, G>A on the plus strand (C>T on the coding strand, the complement: CYP2R1 is on the minus strand). VCF-style: chr11-14879318-G-A. GRCh37 (hg19) VCF-style: chr11-14900864-G-A.
Other names: c.781C>T, p.Pro261Ser (NM_001377214.1, NM_001377215.1, NM_001377216.1 and 1 more transcripts); c.964C>T, p.Pro322Ser (NM_001377217.1); short protein forms P376S, P261S, P322S.
Identifiers: ClinVar variation 429316 (VCV000429316.2), dbSNP rs782153744, ClinGen allele CA379745156.

ClinVar aggregate classification (germline): Uncertain significance (1 of 4 stars; one submission).

Allele frequency attached by ClinVar (database versions not stated): TOPMed 0.00004; gnomAD 0.00001.
gnomAD v4.1: 1 of 1,612,928 alleles (0.000062%); highest among the groups gnomAD compares: Admixed American, 0.0017%; no homozygotes.

Submission:

GeneDx
Classification: Uncertain significance. Last evaluated: 2017-05-05. Review status: criteria provided, single submitter. Criteria: GeneDx Variant Classification (06012015). Collection method: clinical testing. Allele origin: germline. Affected: yes.
Comment: The P376S variant in the CYP2R1 gene has not been reported previously as a pathogenic variant, nor as a benign variant, to our knowledge. The P376S variant is not observed in large population cohorts (Lek et al., 2016; 1000 Genomes Consortium et al., 2015; Exome Variant Server). The P376S variant is a non-conservative amino acid substitution, which is likely to impact secondary protein structure as these residues differ in polarity, charge, size and/or other properties. This substitution occurs at a position that is conserved across species. In silico analysis predicts this variant is probably damaging to the protein structure/function. We interpret P376S as a variant of uncertain significance.